The following is an entry in ClinVar:

NM_005592.4(MUSK):c.854C>G (p.Thr285Ser)

Gene: MUSK (muscle associated receptor tyrosine kinase; plus strand). Cytogenetic location: 9q31.3.
Variant type: single nucleotide variant.
Coding change: c.854C>G on transcript NM_005592.4 (MANE Select); coding-DNA position 854, C replaced by G.
Protein change: p.Thr285Ser; replaces threonine 285 with serine.
Molecular consequence: missense variant. On other transcripts: 5 prime UTR variant (1).
Genome position (GRCh38, 1-based): chr9:110,747,741, C>G. VCF-style: chr9-110747741-C-G. GRCh37 (hg19) VCF-style: chr9-113510021-C-G.
Other names: c.884C>G, p.Thr295Ser (NM_001166280.2); c.854C>G, p.Thr285Ser (NM_001166281.2); c.-383C>G (NM_001369398.1); short protein forms T285S, T295S.
Identifiers: ClinVar variation 3151325 (VCV003151325.2), dbSNP rs368709956, ClinGen allele CA5184197.

ClinVar aggregate classification (germline): Uncertain significance. Review status: criteria provided, multiple submitters, no conflicts (2 of 4 stars). 2 submissions from 2 submitters: Uncertain significance (2). Last evaluated 2026-02-26.

Conditions:
MUSK-related disorder. Also called: MUSK-related disorders; MUSK-related condition.
Inborn genetic diseases. Identifiers: MedGen C0950123, MeSH D030342.

Allele frequency attached by ClinVar (database versions not stated): ExAC 0.00002; gnomAD 0.00002; TOPMed 0.00002; ESP Exome Variant Server 0.00016.
gnomAD v4.1: 75 of 1,613,716 alleles (0.0046%); highest among the groups gnomAD compares: Non-Finnish European, 0.0062%; no homozygotes.

Submissions (2):

PreventionGenetics, part of Exact Sciences
Classification: Uncertain significance for MUSK-related condition. Last evaluated: 2026-02-26. Review status: criteria provided, single submitter. Criteria: ACMG Guidelines, 2015. Collection method: clinical testing. Allele origin: germline.
Comment: The MUSK c.854C>G variant is predicted to result in the amino acid substitution p.Thr285Ser. To our knowledge, this variant has not been reported in the literature. This variant is reported in 0.0035% of alleles in individuals of European (Non-Finnish) descent in gnomAD. At this time, the clinical significance of this variant is uncertain due to the absence of conclusive functional and genetic evidence.

Ambry Genetics
Classification: Uncertain significance for Inborn genetic diseases. Last evaluated: 2024-03-11. Review status: criteria provided, single submitter. Criteria: Ambry Variant Classification Scheme 2023. Collection method: clinical testing. Allele origin: germline.